The following is an entry in ClinVar:

NM_006648.4(WNK2):c.4049A>G (p.Lys1350Arg)

Gene: WNK2 (WNK lysine deficient protein kinase 2; plus strand). Cytogenetic location: 9q22.31.
Variant type: single nucleotide variant.
Coding change: c.4049A>G on transcript NM_006648.4 (MANE Select); coding-DNA position 4049, A replaced by G.
Protein change: p.Lys1350Arg; replaces lysine 1350 with arginine.
Molecular consequence: missense variant.
Genome position (GRCh38, 1-based): chr9:93,288,803, A>G. VCF-style: chr9-93288803-A-G. GRCh37 (hg19) VCF-style: chr9-96051085-A-G.
Other names: c.4160A>G, p.Lys1387Arg (NM_001282394.3); short protein forms K1350R, K1387R.
Identifiers: ClinVar variation 4605401 (VCV004605401.1).

ClinVar aggregate classification (germline): Uncertain significance (1 of 4 stars; one submission).

Submission:

Ambry Genetics
Classification: Uncertain significance. Last evaluated: 2025-11-26. Review status: criteria provided, single submitter. Criteria: Ambry Variant Classification Scheme 2023. Collection method: clinical testing. Allele origin: germline.
Comment: The p.K1350R variant (also known as c.4049A>G), located in coding exon 19 of the WNK2 gene, results from an A to G substitution at nucleotide position 4049. The lysine at codon 1350 is replaced by arginine, an amino acid with highly similar properties. This amino acid position is conserved. In addition, this alteration is predicted to be tolerated by in silico analysis. Based on the available evidence, the clinical significance of this variant remains unclear.